The following is an entry in ClinVar:

ClinVar aggregate classification (germline): Benign. Review status: criteria provided, multiple submitters, no conflicts (2 of 4 stars). 3 submissions from 2 submitters: Benign (3). Last evaluated 2018-01-13.

Conditions:
Encephalopathy due to GLUT1 deficiency. Also called: Classic Glucose Transporter Type 1 Deficiency Syndrome; GLUCOSE TRANSPORT DEFECT, BLOOD-BRAIN BARRIER; De Vivo disease; Glucose transporter protein syndrome; GLUT1 deficiency syndrome 1, infantile onset, severe; GLUT1 deficiency syndrome 1. Identifiers: Orphanet 71277, MedGen C4551966, MONDO:0011724, OMIM 606777.
Dystonia 9 (DYT9). Also called: CHOREOATHETOSIS, KINESIGENIC, WITH EPISODIC ATAXIA AND SPASTICITY. Identifiers: Orphanet 53583, MedGen C1832855, MONDO:0010983, OMIM 601042.

Allele frequency attached by ClinVar (database versions not stated): 1000 Genomes Project 0.00020; 1000 Genomes Project 30x 0.00031; gnomAD 0.00101 and 0.00104; TOPMed 0.00114; gnomAD exomes 0.00211; ExAC 0.00450.
gnomAD v4.1: 1,439 of 1,336,812 alleles (0.11%); highest among the groups gnomAD compares: Middle Eastern, 0.54%; 3 homozygotes.

Submissions (3):

Illumina Laboratory Services, Illumina
Classification: Benign for Encephalopathy due to GLUT1 deficiency. Last evaluated: 2018-01-13. Review status: criteria provided, single submitter. Criteria: ICSL Variant Classification Criteria 13 December 2019. Collection method: clinical testing. Allele origin: germline.
Comment: This variant was observed in the ICSL laboratory as part of a predisposition screen in an ostensibly healthy population. It had not been previously curated by ICSL or reported in the Human Gene Mutation Database (HGMD: prior to June 1st, 2018), and was therefore a candidate for classification through an automated scoring system. Utilizing variant allele frequency, disease prevalence and penetrance estimates, and inheritance mode, an automated score was calculated to assess if this variant is too frequent to cause the disease. Based on the score and internal cut-off values, a variant classified as benign is not then subjected to further curation. The score for this variant resulted in a classification of benign for this disease.

Illumina Laboratory Services, Illumina
Classification: Benign for Dystonia 9. Last evaluated: 2018-01-13. Review status: criteria provided, single submitter. Criteria: ICSL Variant Classification Criteria 13 December 2019. Collection method: clinical testing. Allele origin: germline.
Comment: the same text as in the submission from Illumina Laboratory Services, Illumina above.

Breakthrough Genomics
Classification: Benign. Review status: criteria provided, single submitter. Criteria: ACMG Guidelines, 2015. Collection method: not provided. Allele origin: germline. Inheritance: Autosomal dominant inheritance. Affected: yes.

NM_006516.4(SLC2A1):c.*346G>A

Gene: SLC2A1 (solute carrier family 2 member 1; minus strand). Cytogenetic location: 1p34.2.
Variant type: single nucleotide variant.
Coding change: c.*346G>A on transcript NM_006516.4 (MANE Select); 346 bases downstream of the stop codon, G replaced by A.
Molecular consequence: 3 prime UTR variant.
Genome position (GRCh38, 1-based): chr1:42,926,695, C>T on the plus strand (G>A on the coding strand, the complement: SLC2A1 is on the minus strand). VCF-style: chr1-42926695-C-T. GRCh37 (hg19) VCF-style: chr1-43392366-C-T.
Identifiers: ClinVar variation 297375 (VCV000297375.6), dbSNP rs190760291, ClinGen allele CA803265.